The following is an entry in ClinVar:

ClinVar aggregate classification (germline): Uncertain significance (1 of 4 stars; one submission).

Conditions:
Developmental and epileptic encephalopathy, 11 (DEE11). Also called: Early infantile epileptic encephalopathy 11. Identifiers: Orphanet 1934, MedGen C3150987, MONDO:0013388, OMIM 613721.
Seizures, benign familial infantile, 3 (BFIS3). Also called: CONVULSIONS, BENIGN FAMILIAL INFANTILE, 3; Familial neonatal seizures. Identifiers: Orphanet 140927, Orphanet 306, MedGen C1843140, MONDO:0011904, OMIM 607745.

Allele frequency attached by ClinVar (database versions not stated): gnomAD exomes below 0.00001; ExAC 0.00001; gnomAD 0.00001; TOPMed 0.00002; ESP Exome Variant Server 0.00008.
gnomAD v4.1: 1 of 1,599,090 alleles (0.000063%); highest among the groups gnomAD compares: African/African-American, 0.0013%; no homozygotes.

Submission:

New York Genome Center
Classification: Uncertain significance for Seizures, benign familial infantile, 3; Developmental and epileptic encephalopathy, 11. Last evaluated: 2021-02-05. Review status: criteria provided, single submitter. Criteria: NYGC Assertion Criteria 2020. Collection method: clinical testing. Allele origin: inherited. Observed: 1 heterozygote. Study: CSER-NYCKidSeq.
Comment: The inherited heterozygous c.970+6A>T splice region variantidentified in intron 7 (of 26) of the SCN2A gene has been reported once in gnomAD(v3) database (1 out of 152,148 heterozygous alleles, no homozygotes) indicating it is a rare allele in the populations represented in gnomAD(v3). The affected nucleotide is moderately conserved. The Transcript inferred Pathogenicity Score (TraP) for this variant is 0.749, which is>99% score-percentile suggesting it is probably damaging to the function of the canonical transcript, however SpliceAI does not predict an alteration to splicing. This variant is absent from ClinVar and to our current knowledge has not been reported in affected individualsin the literature. Given the lack of compelling evidence for its pathogenicity, the inherited heterozygous c.970+6A>T splice region variant identified in the SCN2A gene is reported as a Variant of Uncertain Significance.

NM_001040142.2(SCN2A):c.970+6A>T

Gene: SCN2A (sodium voltage-gated channel alpha subunit 2; plus strand). Cytogenetic location: 2q24.3.
Variant type: single nucleotide variant.
Coding change: c.970+6A>T on transcript NM_001040142.2 (MANE Select); 6 bases into the intron after coding-DNA position 970, A replaced by T.
Molecular consequence: intron variant.
Genome position (GRCh38, 1-based): chr2:165,310,601, A>T. VCF-style: chr2-165310601-A-T. GRCh37 (hg19) VCF-style: chr2-166167111-A-T.
Other names: c.970+6A>T (NM_001040143.2, NM_001371246.1, NM_001371247.1 and 1 more transcripts).
Identifiers: ClinVar variation 1341827 (VCV001341827.2), dbSNP rs371629371, ClinGen allele CA1939719.